The following is an entry in ClinVar:

NM_004984.4(KIF5A):c.801C>T (p.Ser267=)

Gene: KIF5A (kinesin family member 5A; plus strand). Cytogenetic location: 12q13.3.
Variant type: single nucleotide variant.
Coding change: c.801C>T on transcript NM_004984.4 (MANE Select); coding-DNA position 801, C replaced by T.
Protein change: p.Ser267=; no amino-acid change (serine 267 retained).
Molecular consequence: synonymous variant.
Genome position (GRCh38, 1-based): chr12:57,569,049, C>T. VCF-style: chr12-57569049-C-T. GRCh37 (hg19) VCF-style: chr12-57962832-C-T.
Other names: c.534C>T, p.Ser178= (NM_001354705.2).
Identifiers: ClinVar variation 415751 (VCV000415751.46), dbSNP rs368628303, ClinGen allele CA6652676.

ClinVar aggregate classification (germline): Likely benign. Review status: criteria provided, multiple submitters, no conflicts (2 of 4 stars). 3 submissions from 3 submitters: Likely benign (3). Last evaluated 2025-09-17.

Conditions:
Spastic paraplegia. Identifiers: MedGen C0037772, HP:0001258.

Allele frequency attached by ClinVar (database versions not stated): gnomAD exomes 0.00006; ExAC 0.00007; ESP Exome Variant Server 0.00008; gnomAD 0.00008 and 0.00009; TOPMed 0.00012.
gnomAD v4.1: 50 of 1,613,662 alleles (0.0031%); highest among the groups gnomAD compares: African/African-American, 0.032%; no homozygotes.

Submissions (3):

Labcorp Genetics (formerly Invitae), Labcorp
Classification: Likely benign for Spastic paraplegia. Last evaluated: 2025-09-17. Review status: criteria provided, single submitter. Criteria: Invitae Variant Classification Sherloc (09022015). Collection method: clinical testing. Allele origin: germline.

Blueprint Genetics
Classification: Likely benign. Last evaluated: 2024-03-07. Review status: criteria provided, single submitter. Criteria: ACMG Guidelines, 2015. Collection method: clinical testing. Allele origin: germline.

CeGaT Center for Human Genetics Tuebingen
Classification: Likely benign. Last evaluated: 2022-04-01. Review status: criteria provided, single submitter. Criteria: CeGaT Center For Human Genetics Tuebingen Variant Classification Criteria Version 2. Collection method: clinical testing. Allele origin: germline. Affected: yes. Observed: 2 variant alleles.
Comment: KIF5A: BP4, BP7